The following is an entry in ClinVar:

NM_000455.5(STK11):c.435G>C (p.Glu145Asp)

Gene: STK11 (serine/threonine kinase 11; plus strand). Cytogenetic location: 19p13.3.
Variant type: single nucleotide variant.
Coding change: c.435G>C on transcript NM_000455.5 (MANE Select); coding-DNA position 435, G replaced by C.
Protein change: p.Glu145Asp; replaces glutamic acid 145 with aspartic acid.
Molecular consequence: missense variant. On other transcripts: non-coding transcript variant (1).
Genome position (GRCh38, 1-based): chr19:1,219,384, G>C. VCF-style: chr19-1219384-G-C. GRCh37 (hg19) VCF-style: chr19-1219383-G-C.
Other names: c.435G>C, p.Glu145Asp (NM_001407255.1); short protein forms E145D.
Identifiers: ClinVar variation 3251210 (VCV003251210.18), dbSNP rs1555737810.

ClinVar aggregate classification (germline): Uncertain significance (1 of 4 stars; one submission).

Submission:

CeGaT Center for Human Genetics Tuebingen
Classification: Uncertain significance. Last evaluated: 2024-07-01. Review status: criteria provided, single submitter. Criteria: CeGaT Center For Human Genetics Tuebingen Variant Classification Criteria Version 2. Collection method: clinical testing. Allele origin: germline. Affected: yes. Observed: 1 variant allele.
Comment: STK11: PM2